The following is an entry in ClinVar:

ClinVar aggregate classification (germline): Uncertain significance (1 of 4 stars; one submission).

Allele frequency attached by ClinVar (database versions not stated): gnomAD 0.00001; ExAC 0.00002; TOPMed 0.00001.
gnomAD v4.1: 22 of 1,613,868 alleles (0.0014%); highest among the groups gnomAD compares: South Asian, 0.0033%; no homozygotes.

Submission:

Labcorp Genetics (formerly Invitae), Labcorp
Classification: Uncertain significance. Last evaluated: 2022-12-22. Review status: criteria provided, single submitter. Criteria: Invitae Variant Classification Sherloc (09022015). Collection method: clinical testing. Allele origin: germline.
Comment: In summary, the available evidence is currently insufficient to determine the role of this variant in disease. Therefore, it has been classified as a Variant of Uncertain Significance. Algorithms developed to predict the effect of missense changes on protein structure and function are either unavailable or do not agree on the potential impact of this missense change (SIFT: "Deleterious"; PolyPhen-2: "Probably Damaging"; Align-GVGD: "Class C0"). This variant has not been reported in the literature in individuals affected with ARFGEF2-related conditions. This variant is present in population databases (rs762557818, gnomAD 0.03%). This sequence change replaces arginine, which is basic and polar, with histidine, which is basic and polar, at codon 402 of the ARFGEF2 protein (p.Arg402His).

NM_006420.3(ARFGEF2):c.1205G>A (p.Arg402His)

Gene: ARFGEF2 (ARF guanine nucleotide exchange factor 2; plus strand). Cytogenetic location: 20q13.13.
Variant type: single nucleotide variant.
Coding change: c.1205G>A on transcript NM_006420.3 (MANE Select); coding-DNA position 1205, G replaced by A.
Protein change: p.Arg402His; replaces arginine 402 with histidine.
Molecular consequence: missense variant.
Genome position (GRCh38, 1-based): chr20:48,971,134, G>A. VCF-style: chr20-48971134-G-A. GRCh37 (hg19) VCF-style: chr20-47587671-G-A.
Other names: c.1202G>A, p.Arg401His (NM_001410846.1); short protein forms R402H, R401H.
Identifiers: ClinVar variation 2039933 (VCV002039933.4), dbSNP rs762557818, ClinGen allele CA9898354.
Genomic context (GRCh38, chr20:48,971,134, plus strand): 5'-CATTTTTTCTTTTAGCACTGTTGTGGTTTTTCATTTTCTTTGCCAGATCCCATGAGCTGC[G>A]TTCCAAGGTGGTTTCCCTGCAGCTGCTCCTCTCTGTGTTGCAAAATGCTGGCCCCGTATT-3'
Protein context (NP_006411.2, residues 392-412): GPPDPKSHEL[Arg402His]SKVVSLQLLL